The following is an entry in ClinVar:

NM_000235.4(LIPA):c.447del (p.Lys149fs)

Gene: LIPA (lipase A, lysosomal acid type; minus strand). Cytogenetic location: 10q23.31.
Variant type: Deletion.
Coding change: c.447del on transcript NM_000235.4 (MANE Select); coding-DNA position 447, one base deleted (A; older notation c.447delA).
Protein change: p.Lys149fs; shifts the reading frame from lysine 149.
Molecular consequence: frameshift variant.
Genome position (GRCh38, 1-based): chr10:89,226,986, T deleted on the plus strand (A on the coding strand, the reverse complement: LIPA is on the minus strand); the first of 4 consecutive T bases (chr10:89,226,986-89,226,989); deleting any one gives the same sequence. VCF-style (leftmost placement, unchanged base first): chr10-89226985-AT-A. GRCh37 (hg19) VCF-style: chr10-90986742-AT-A.
Other names: c.447del, p.Lys149fs (NM_001127605.3); c.99del, p.Lys33fs (NM_001288979.2); short protein forms K149fs, K33fs.
Identifiers: ClinVar variation 1725047 (VCV001725047.2), dbSNP rs2495591267, ClinGen allele CA2580082274.
Genomic context (GRCh38, chr10:89,226,985, plus strand): 5'-AATACACTTGTTCTTGGCCAGTTTTATTCAGAATGAAGTTAATGGAAGCTGGTAGGTCAT[AT>A]TTTGCCATCTCATCATAACTGTAATCCAAGAAAGGAACTCTTTCATTGAAATAGTACATA-3'

ClinVar aggregate classification (germline): Likely pathogenic (1 of 4 stars; one submission).

Conditions:
Lysosomal acid lipase deficiency. Also called: Acid cholesteryl ester hydrolase deficiency, type 2. Identifiers: Orphanet 275761, MedGen C5574740, MONDO:0800449, MONDO:0010204.

Submission:

Myriad Genetics, Inc.
Classification: Likely pathogenic for Cholesteryl ester storage disease. Last evaluated: 2022-03-06. Review status: criteria provided, single submitter. Criteria: Myriad Women's Health Autosomal Recessive and X-Linked Classification Criteria (2021). Collection method: clinical testing. Allele origin: unknown.
Comment: NM_000235.2(LIPA):c.447delA(K149Nfs*12) is expected to be pathogenic in the context of lysosomal acid lipase deficiency. This variant is predicted to lead to an abnormal or absent protein product due to the creation of a premature termination codon in LIPA, a gene where loss-of-function variants are known to be pathogenic. Please note: this variant was assessed in the context of healthy population screening.